The following is an entry in ClinVar:

ClinVar aggregate classification (germline): Uncertain significance (0 of 4 stars; one submission).

Submission:

Lymphocyte Activation and Susceptibility to EBV Laboratory, Institut Imagine
Classification: Uncertain significance. Last evaluated: 2026-03-09. Review status: no assertion criteria provided. Collection method: research. Allele origin: germline. Inheritance: Autosomal recessive inheritance. Affected: yes.

NM_032168.3(WDR75):c.1777G>T (p.Glu593Ter)

Gene: WDR75 (WD repeat domain 75; plus strand). Cytogenetic location: 2q32.2.
Variant type: single nucleotide variant.
Coding change: c.1777G>T on transcript NM_032168.3 (MANE Select); coding-DNA position 1777, G replaced by T.
Protein change: p.Glu593Ter; replaces glutamic acid 593 with a stop codon.
Molecular consequence: nonsense.
Genome position (GRCh38, 1-based): chr2:189,469,397, G>T. VCF-style: chr2-189469397-G-T. GRCh37 (hg19) VCF-style: chr2-190334123-G-T.
Other names: c.1585G>T, p.Glu529Ter (NM_001303096.2); short protein forms E529*, E593*.
Identifiers: ClinVar variation 4813974 (VCV004813974.1).
Genomic context (GRCh38, chr2:189,469,397, plus strand): 5'-CCCTCAGTGGAGTGGAATGCAAAATTAAATGTTAGAGTTATGGAACCCGATCCTAATTCA[G>T]AGAATATTGCTGCAATCTCTCAGTCTTCAGTGGGTTCAGACTGTAAGTACAAACCACACT-3'